The following is an entry in ClinVar:

NM_001378454.1(ALMS1):c.6812A>C (p.Asn2271Thr)

Gene: ALMS1 (ALMS1 centrosome and basal body associated protein; plus strand). Cytogenetic location: 2p13.1.
Variant type: single nucleotide variant.
Coding change: c.6812A>C on transcript NM_001378454.1 (MANE Select); coding-DNA position 6812, A replaced by C.
Protein change: p.Asn2271Thr; replaces asparagine 2271 with threonine.
Molecular consequence: missense variant.
Genome position (GRCh38, 1-based): chr2:73,453,339, A>C. VCF-style: chr2-73453339-A-C. GRCh37 (hg19) VCF-style: chr2-73680466-A-C.
Other names: c.6815A>C, p.Asn2272Thr (NM_015120.4); short protein forms N2271T, N2272T.
Identifiers: ClinVar variation 3765957 (VCV003765957.1).
Genomic context (GRCh38, chr2:73,453,339, plus strand): 5'-ATGCAGAAAATAGTGCTAAAACTCTTAAGGAAATTCGGACACTTTTGATGGAGGCAGAAA[A>C]TATGGCACTGAAACGATGCAATTTTCCTGCTCCCCTTGCCCGTTTCAGAGATATTAGTGA-3'
Protein context (NP_001365383.1, residues 2261-2281): EIRTLLMEAE[Asn2271Thr]MALKRCNFPA

ClinVar aggregate classification (germline): Uncertain significance (1 of 4 stars; one submission).

Submission:

GeneDx
Classification: Uncertain significance. Last evaluated: 2024-09-03. Review status: criteria provided, single submitter. Criteria: GeneDx Variant Classification Process June 2021. Collection method: clinical testing. Allele origin: germline. Affected: yes.
Comment: Not observed at significant frequency in large population cohorts (gnomAD); In silico analysis supports that this missense variant has a deleterious effect on protein structure/function; Has not been previously published as pathogenic or benign to our knowledge